The following is an entry in ClinVar:

NM_001145860.2(POP1):c.2074C>T (p.Arg692Trp)

Gene: POP1 (POP1 homolog, ribonuclease P/MRP subunit; plus strand). Cytogenetic location: 8q22.2.
Variant type: single nucleotide variant.
Coding change: c.2074C>T on transcript NM_001145860.2 (MANE Select); coding-DNA position 2074, C replaced by T.
Protein change: p.Arg692Trp; replaces arginine 692 with tryptophan.
Molecular consequence: missense variant.
Genome position (GRCh38, 1-based): chr8:98,156,066, C>T. VCF-style: chr8-98156066-C-T. GRCh37 (hg19) VCF-style: chr8-99168294-C-T.
Other names: c.2074C>T, p.Arg692Trp (NM_001145861.2, NM_015029.3); short protein forms R692W.
Identifiers: ClinVar variation 1919087 (VCV001919087.3), dbSNP rs143606739, ClinGen allele CA4820775.

ClinVar aggregate classification (germline): Uncertain significance (1 of 4 stars; one submission).

Allele frequency attached by ClinVar (database versions not stated): gnomAD 0.00001; TOPMed 0.00001; gnomAD exomes 0.00003; ESP Exome Variant Server 0.00008; ExAC 0.00010.
gnomAD v4.1: 53 of 1,613,578 alleles (0.0033%); highest among the groups gnomAD compares: South Asian, 0.029%; no homozygotes.

Submission:

Labcorp Genetics (formerly Invitae), Labcorp
Classification: Uncertain significance. Last evaluated: 2022-06-13. Review status: criteria provided, single submitter. Criteria: Invitae Variant Classification Sherloc (09022015). Collection method: clinical testing. Allele origin: germline.
Comment: This variant is present in population databases (rs143606739, gnomAD 0.03%). This sequence change replaces arginine, which is basic and polar, with tryptophan, which is neutral and slightly polar, at codon 692 of the POP1 protein (p.Arg692Trp). This variant has not been reported in the literature in individuals affected with POP1-related conditions. In summary, the available evidence is currently insufficient to determine the role of this variant in disease. Therefore, it has been classified as a Variant of Uncertain Significance. Algorithms developed to predict the effect of missense changes on protein structure and function (SIFT, PolyPhen-2, Align-GVGD) all suggest that this variant is likely to be disruptive.